The following is an entry in ClinVar:

NC_000015.10:g.(?_48470614)_(48499058_?)del

Genes: FBN1 (fibrillin 1; minus strand), LOC126862124 (CDK7 strongly-dependent group 2 enhancer GRCh37_chr15:48764566-48765765; plus strand). Cytogenetic location: 15q21.1.
Variant type: Deletion.
Identifiers: ClinVar variation 584214 (VCV000584214.8).

ClinVar aggregate classification (germline): Pathogenic (1 of 4 stars; one submission).

Conditions:
Familial thoracic aortic aneurysm and aortic dissection (TAAD). Also called: Thoracic aortic aneurysms and dissections. Identifiers: Orphanet 91387, MedGen C4707243, MONDO:0019625.
Marfan syndrome (MFS). Also called: FBN1-Related Marfan Syndrome; Marfan syndrome type 1; Marfan's syndrome; Marfan syndrome, classic; MARFAN SYNDROME, TYPE I. Identifiers: Orphanet 284963, Orphanet 558, MedGen C0024796, MONDO:0007947, OMIM 154700.

Submission:

Labcorp Genetics (formerly Invitae), Labcorp
Classification: Pathogenic for Marfan syndrome; Familial thoracic aortic aneurysm and aortic dissection. Last evaluated: 2018-01-29. Review status: criteria provided, single submitter. Criteria: Invitae Variant Classification Sherloc (09022015). Collection method: clinical testing. Allele origin: germline.
Comment: Exons 18-36 include EGF-like domains 7-21, hybrid motif 2 and TGFBP domains 2 and 3. In this deleted region, an in-frame deletion of exons 24-26 (EGF-like domains 10-11 and TGFBP domain 3) and single-exon subgenic deletions affecting exons 30-33 (EGF-like domains 15-18) have been reported in individuals affected with Marfan syndrome (PMID: 25944730, 11175294, 18412115). This variant has not been reported in the literature in individuals with FBN1-related disease. This variant is an in-frame deletion of the genomic region encompassing exons 18-36 of the FBN1 gene. It preserves the integrity of the reading frame. For these reasons, this variant has been classified as Pathogenic.

Literature cited by the submitters: PubMed 25944730; PubMed 11175294; PubMed 18412115.